The following is an entry in ClinVar:

NM_145046.5(CALR3):c.833G>T (p.Arg278Leu)

Gene: CALR3 (calreticulin 3; minus strand). Cytogenetic location: 19p13.11.
Variant type: single nucleotide variant.
Coding change: c.833G>T on transcript NM_145046.5 (MANE Select); coding-DNA position 833, G replaced by T.
Protein change: p.Arg278Leu; replaces arginine 278 with leucine.
Molecular consequence: missense variant.
Genome position (GRCh38, 1-based): chr19:16,482,535, C>A on the plus strand (G>T on the coding strand, the complement: CALR3 is on the minus strand). VCF-style: chr19-16482535-C-A. GRCh37 (hg19) VCF-style: chr19-16593346-C-A.
Other names: short protein forms R278L.
Identifiers: ClinVar variation 4218384 (VCV004218384.3).
Genomic context (GRCh38, chr19:16,482,535, plus strand): 5'-CCAATGTTCTCAAATTCTGAGAGGTCATACTGCGTCAAATAGTCGGTATTCTTCATCTTA[C>A]GGTGGAGCCAGACGTCTTTATGAATACCTTCTGGTTTCAGGCCATCCTGTATCAAAAAAA-3'
Protein context (NP_659483.2, residues 268-288): EGIHKDVWLH[Arg278Leu]KMKNTDYLTQ

ClinVar aggregate classification (germline): Uncertain significance. Review status: criteria provided, multiple submitters, no conflicts (2 of 4 stars). 3 submissions from 3 submitters: Uncertain significance (3). Last evaluated 2026-01-06.

Conditions:
Hypertrophic cardiomyopathy 19. Also called: Familial hypertrophic cardiomyopathy 19. Identifiers: MedGen CN077603, MONDO:0013476.

gnomAD v4.1: 6 of 1,614,086 alleles (0.00037%); no homozygotes.

Submissions (3):

Labcorp Genetics (formerly Invitae), Labcorp
Classification: Uncertain significance for Hypertrophic cardiomyopathy 19. Last evaluated: 2026-01-06. Review status: criteria provided, single submitter. Criteria: Invitae Variant Classification Sherloc (09022015). Collection method: clinical testing. Allele origin: germline.
Comment: This sequence change replaces arginine, which is basic and polar, with leucine, which is neutral and non-polar, at codon 278 of the CALR3 protein (p.Arg278Leu). This variant is not present in population databases (gnomAD no frequency). This variant has not been reported in the literature in individuals affected with CALR3-related conditions. ClinVar contains an entry for this variant (Variation ID: 4218384). Invitae Evidence Modeling of protein sequence and biophysical properties (such as structural, functional, and spatial information, amino acid conservation, physicochemical variation, residue mobility, and thermodynamic stability) indicates that this missense variant is not expected to disrupt CALR3 protein function with a negative predictive value of 80%. In summary, the available evidence is currently insufficient to determine the role of this variant in disease. Therefore, it has been classified as a Variant of Uncertain Significance.

Ambry Genetics
Classification: Uncertain significance. Last evaluated: 2025-08-01. Review status: criteria provided, single submitter. Criteria: Ambry Variant Classification Scheme 2023. Collection method: clinical testing. Allele origin: germline.

Women's Health and Genetics/Laboratory Corporation of America, LabCorp
Classification: Uncertain significance. Last evaluated: 2025-07-21. Review status: criteria provided, single submitter. Criteria: LabCorp Variant Classification Summary - May 2015. Collection method: clinical testing. Allele origin: germline.
Comment: Variant summary: CALR3 c.833G>T (p.Arg278Leu) results in a non-conservative amino acid change in the encoded protein sequence. Algorithms developed to predict the effect of missense changes on protein structure and function are either unavailable or do not agree on the potential impact of this missense change. The variant allele was found at a frequency of 4e-06 in 251496 control chromosomes. The available data on variant occurrences in the general population are insufficient to allow any conclusion about variant significance. To our knowledge, no occurrence of c.833G>T in individuals affected with Cardiomyopathy and no experimental evidence demonstrating its impact on protein function have been reported. No submitters have cited clinical-significance assessments for this variant to ClinVar. Based on the evidence outlined above, the variant was classified as uncertain significance.